The following is an entry in ClinVar:

NM_004793.4(LONP1):c.2847C>G (p.Asp949Glu)

Gene: LONP1 (lon peptidase 1, mitochondrial; minus strand). Cytogenetic location: 19p13.3.
Variant type: single nucleotide variant.
Coding change: c.2847C>G on transcript NM_004793.4 (MANE Select); coding-DNA position 2847, C replaced by G.
Protein change: p.Asp949Glu; replaces aspartic acid 949 with glutamic acid.
Molecular consequence: missense variant. On other transcripts: non-coding transcript variant (1).
Genome position (GRCh38, 1-based): chr19:5,692,065, G>C on the plus strand (C>G on the coding strand, the complement: LONP1 is on the minus strand). VCF-style: chr19-5692065-G-C. GRCh37 (hg19) VCF-style: chr19-5692076-G-C.
Other names: c.2655C>G, p.Asp885Glu (NM_001276479.2); c.2259C>G, p.Asp753Glu (NM_001276480.1); short protein forms D949E, D753E, D885E.
Identifiers: ClinVar variation 1470312 (VCV001470312.8), dbSNP rs200774149, ClinGen allele CA403524668.

ClinVar aggregate classification (germline): Uncertain significance (1 of 4 stars; one submission).

gnomAD v4.1: 5 of 1,607,704 alleles (0.00031%); highest among the groups gnomAD compares: Admixed American, 0.0017%; no homozygotes.

Submission:

Labcorp Genetics (formerly Invitae), Labcorp
Classification: Uncertain significance. Last evaluated: 2025-05-13. Review status: criteria provided, single submitter. Criteria: Invitae Variant Classification Sherloc (09022015). Collection method: clinical testing. Allele origin: germline.
Comment: This sequence change replaces aspartic acid, which is acidic and polar, with glutamic acid, which is acidic and polar, at codon 949 of the LONP1 protein (p.Asp949Glu). This variant is not present in population databases (gnomAD no frequency). This variant has not been reported in the literature in individuals affected with LONP1-related conditions. ClinVar contains an entry for this variant (Variation ID: 1470312). Invitae Evidence Modeling of protein sequence and biophysical properties (such as structural, functional, and spatial information, amino acid conservation, physicochemical variation, residue mobility, and thermodynamic stability) indicates that this missense variant is not expected to disrupt LONP1 protein function with a negative predictive value of 95%. In summary, the available evidence is currently insufficient to determine the role of this variant in disease. Therefore, it has been classified as a Variant of Uncertain Significance.